The following is an entry in ClinVar:

NM_000815.5(GABRD):c.968C>T (p.Ala323Val)

Gene: GABRD (gamma-aminobutyric acid type A receptor subunit delta; plus strand). Cytogenetic location: 1p36.33.
Variant type: single nucleotide variant.
Coding change: c.968C>T on transcript NM_000815.5 (MANE Select); coding-DNA position 968, C replaced by T.
Protein change: p.Ala323Val; replaces alanine 323 with valine.
Molecular consequence: missense variant.
Genome position (GRCh38, 1-based): chr1:2,029,671, C>T. VCF-style: chr1-2029671-C-T. GRCh37 (hg19) VCF-style: chr1-1961110-C-T.
Other names: short protein forms A323V.
Identifiers: ClinVar variation 2878689 (VCV002878689.3), dbSNP rs2525646373, ClinGen allele CA337960155.
Genomic context (GRCh38, chr1:2,029,671, plus strand): 5'-GGGCATCAGCCATCAAGGCACTGGACGTCTACTTCTGGATCTGCTATGTCTTCGTGTTTG[C>T]CGCCCTGGTGGAGTACGCCTTTGCTCATTTCAACGCCGACTACAGGAAGAAGCAGAAGGC-3'
Protein context (NP_000806.2, residues 313-333): YFWICYVFVF[Ala323Val]ALVEYAFAHF

ClinVar aggregate classification (germline): Uncertain significance (1 of 4 stars; one submission).

Conditions:
Idiopathic generalized epilepsy. Also called: EIG; Generalised epilepsy. Identifiers: MedGen C0270850, MONDO:0005579, OMIM 600669.

Allele frequency attached by ClinVar (database versions not stated): gnomAD exomes below 0.00001.

Submission:

Labcorp Genetics (formerly Invitae), Labcorp
Classification: Uncertain significance for Idiopathic generalized epilepsy. Last evaluated: 2023-08-16. Review status: criteria provided, single submitter. Criteria: Invitae Variant Classification Sherloc (09022015). Collection method: clinical testing. Allele origin: germline.
Comment: This sequence change replaces alanine, which is neutral and non-polar, with valine, which is neutral and non-polar, at codon 323 of the GABRD protein (p.Ala323Val). This variant is not present in population databases (gnomAD no frequency). This variant has not been reported in the literature in individuals affected with GABRD-related conditions. An algorithm developed to predict the effect of missense changes on protein structure and function (PolyPhen-2) suggests that this variant is likely to be disruptive. In summary, the available evidence is currently insufficient to determine the role of this variant in disease. Therefore, it has been classified as a Variant of Uncertain Significance.